The following is an entry in ClinVar:

NM_080605.4(B3GALT6):c.195C>T (p.Ser65=)

Gene: B3GALT6 (beta-1,3-galactosyltransferase 6; plus strand). Cytogenetic location: 1p36.33.
Variant type: single nucleotide variant.
Coding change: c.195C>T on transcript NM_080605.4 (MANE Select); coding-DNA position 195, C replaced by T.
Protein change: p.Ser65=; no amino-acid change (serine 65 retained).
Molecular consequence: synonymous variant.
Genome position (GRCh38, 1-based): chr1:1,232,473, C>T. VCF-style: chr1-1232473-C-T. GRCh37 (hg19) VCF-style: chr1-1167853-C-T.
Other names: p.Ser65=.
Identifiers: ClinVar variation 4684821 (VCV004684821.1).

ClinVar aggregate classification (germline): Likely benign (1 of 4 stars; one submission).

Submission:

Mayo Clinic Laboratories, Mayo Clinic
Classification: Likely benign. Last evaluated: 2025-09-19. Review status: criteria provided, single submitter. Criteria: ACMG Guidelines, 2015. Collection method: clinical testing. Allele origin: germline. Observed: 1 variant allele.
Comment: BP4, BP7, PM2_supporting